The following is an entry in ClinVar:

ClinVar aggregate classification (germline): Uncertain significance. Review status: criteria provided, multiple submitters, no conflicts (2 of 4 stars). 2 submissions from 2 submitters: Uncertain significance (2). Last evaluated 2025-01-01.

Conditions:
Short-rib thoracic dysplasia 11 with or without polydactyly (SRTD11). Also called: SHORT-RIB THORACIC DYSPLASIA 11 WITHOUT POLYDACTYLY. Identifiers: Orphanet 474, Orphanet 93271, MedGen C3810200, MONDO:0014287, OMIM 615633.
Inborn genetic diseases. Identifiers: MedGen C0950123, MeSH D030342.

Allele frequency attached by ClinVar (database versions not stated): ExAC 0.00002; gnomAD 0.00003.
gnomAD v4.1: 18 of 1,605,626 alleles (0.0011%); highest among the groups gnomAD compares: African/African-American, 0.008%; no homozygotes.

Submissions (2):

Ambry Genetics
Classification: Uncertain significance for Inborn genetic diseases. Last evaluated: 2025-01-01. Review status: criteria provided, single submitter. Criteria: Ambry Variant Classification Scheme 2023. Collection method: clinical testing. Allele origin: germline.

Labcorp Genetics (formerly Invitae), Labcorp
Classification: Uncertain significance for Short-rib thoracic dysplasia 11 with or without polydactyly. Last evaluated: 2024-10-28. Review status: criteria provided, single submitter. Criteria: Invitae Variant Classification Sherloc (09022015). Collection method: clinical testing. Allele origin: germline.
Comment: This sequence change replaces arginine, which is basic and polar, with tryptophan, which is neutral and slightly polar, at codon 381 of the WDR34 protein (p.Arg381Trp). The frequency data for this variant in the population databases is considered unreliable, as metrics indicate poor data quality at this position in the gnomAD database. This variant has not been reported in the literature in individuals affected with WDR34-related conditions. ClinVar contains an entry for this variant (Variation ID: 2081548). An algorithm developed to predict the effect of missense changes on protein structure and function (PolyPhen-2) suggests that this variant is likely to be disruptive. In summary, the available evidence is currently insufficient to determine the role of this variant in disease. Therefore, it has been classified as a Variant of Uncertain Significance.

NM_052844.4(DYNC2I2):c.1141C>T (p.Arg381Trp)

Genes: DYNC2I2 (dynein 2 intermediate chain 2; minus strand), LOC126860772 (CDK7 strongly-dependent group 2 enhancer GRCh37_chr9:131396972-131398171; plus strand). Cytogenetic location: 9q34.11.
Variant type: single nucleotide variant.
Coding change: c.1141C>T on transcript NM_052844.4 (MANE Select); coding-DNA position 1141, C replaced by T.
Protein change: p.Arg381Trp; replaces arginine 381 with tryptophan.
Molecular consequence: missense variant.
Genome position (GRCh38, 1-based): chr9:128,634,762, G>A on the plus strand (C>T on the coding strand, the complement: DYNC2I2 is on the minus strand). VCF-style: chr9-128634762-G-A. GRCh37 (hg19) VCF-style: chr9-131397041-G-A.
Other names: c.1141C>T (NM_052844.3); short protein forms R381W.
Identifiers: ClinVar variation 2081548 (VCV002081548.3), dbSNP rs756766985, ClinGen allele CA5266331.